The following is an entry in ClinVar:

NM_006206.6(PDGFRA):c.1631T>C (p.Val544Ala)

Gene: PDGFRA (platelet derived growth factor receptor alpha; plus strand). Cytogenetic location: 4q12.
Variant type: single nucleotide variant.
Coding change: c.1631T>C on transcript NM_006206.6 (MANE Select); coding-DNA position 1631, T replaced by C.
Protein change: p.Val544Ala; replaces valine 544 with alanine.
Molecular consequence: missense variant.
Genome position (GRCh38, 1-based): chr4:54,274,603, T>C. VCF-style: chr4-54274603-T-C. GRCh37 (hg19) VCF-style: chr4-55140770-T-C.
Other names: p.Val544Ala; c.1631T>C, p.Val544Ala (NM_001347827.2, NM_001347829.2); c.1706T>C, p.Val569Ala (NM_001347828.2); c.1670T>C, p.Val557Ala (NM_001347830.2); c.1631T>C (NM_006206.5); short protein forms V544A, V557A, V569A.
Identifiers: ClinVar variation 39617 (VCV000039617.25), dbSNP rs181854060, ClinGen allele CA161396.
Genomic context (GRCh38, chr4:54,274,603, plus strand): 5'-AACTCACGGTGGCTGCTGCAGTCCTGGTGCTGTTGGTGATTGTGATCATCTCACTTATTG[T>C]CCTGGTTGTCATTTGGAAACAGGTAGATATTTTCTCATAAAACTAAAGATCTTTGAAGCC-3'
Protein context (NP_006197.1, residues 534-554): LLVIVIISLI[Val544Ala]LVVIWKQKPR

ClinVar aggregate classification (germline): Conflicting classifications of pathogenicity. Review status: criteria provided, conflicting classifications (1 of 4 stars). 10 submissions from 10 submitters: Uncertain significance (3); Benign (1); Likely benign (2). 4 of the submissions do not count toward it. Last evaluated 2026-02-04.

Conditions:
Polyps, multiple and recurrent inflammatory fibroid, gastrointestinal. Identifiers: MedGen C5193005, MONDO:0008285, OMIM 175510.
PDGFRA-related disorder. Also called: PDGFRA-related condition.
Ovarian cancer. Also called: OVARIAN CANCER, SOMATIC. Identifiers: Orphanet 213500, MedGen C1140680, MONDO:0008170, OMIM 167000.
Gastrointestinal stromal tumor. Also called: Gastrointestinal stromal tumor, somatic; Gastrointestinal stroma tumor. Identifiers: Orphanet 44890, MedGen C0238198, MeSH D046152, MONDO:0011719, OMIM 606764, HP:0100723.
Idiopathic hypereosinophilic syndrome (HES). Identifiers: Orphanet 3260, MedGen C0206141, MONDO:0011895, OMIM 607685. Disease mechanism: gain of function.
Isolated cleft palate. Also called: nonsyndromic cleft palate. Identifiers: Orphanet 2014, MedGen C1837218, MONDO:0007336, OMIM 119540.
Hereditary cancer-predisposing syndrome. Also called: Hereditary Cancer Syndrome; Tumor predisposition; Neoplastic Syndromes, Hereditary; Hereditary neoplastic syndrome. Identifiers: Orphanet 140162, MedGen C0027672, MeSH D009386, MONDO:0015356.

Allele frequency attached by ClinVar (database versions not stated): gnomAD exomes 0.00012; 1000 Genomes Project 0.00020; ExAC 0.00012; TOPMed 0.00014; 1000 Genomes Project 30x 0.00078.
gnomAD v4.1: 136 of 1,613,374 alleles (0.0084%); highest among the groups gnomAD compares: East Asian, 0.096%; 3 homozygotes.

Submissions (10):

Labcorp Genetics (formerly Invitae), Labcorp
Classification: Likely benign for Gastrointestinal stromal tumor. Last evaluated: 2026-02-04. Review status: criteria provided, single submitter. Criteria: Invitae Variant Classification Sherloc (09022015). Collection method: clinical testing. Allele origin: germline.

Mayo Clinic Laboratories, Mayo Clinic
Classification: Uncertain significance. Last evaluated: 2025-10-15. Review status: criteria provided, single submitter. Criteria: ACMG Guidelines, 2015. Collection method: clinical testing. Allele origin: germline. Observed: 1 variant allele.
Comment: BS1

Ambry Genetics
Classification: Benign for Hereditary cancer-predisposing syndrome. Last evaluated: 2024-12-05. Review status: criteria provided, single submitter. Criteria: Ambry Variant Classification Scheme 2023. Collection method: clinical testing. Allele origin: germline.

Institute for Genomic Medicine (IGM) Clinical Laboratory, Nationwide Children's Hospital
Classification: Uncertain significance for Polyps, multiple and recurrent inflammatory fibroid, gastrointestinal. Last evaluated: 2023-09-07. Review status: criteria provided, single submitter. Criteria: ACMG Guidelines, 2015. Collection method: clinical testing. Allele origin: germline.
Comment: This variant has been reported at an elevated frequency in affected individuals/in multiple affected individuals in the literature (ACMG/AMP: PS4_Supporting; PMIDs:22473090, 27153395). This variant occurs in a gene with a low rate of benign missense variation, in which missense alterations are a common mechanism of disease (ACMG/AMP: PP2).

Revvity Omics, Revvity
Classification: Uncertain significance for Idiopathic hypereosinophilic syndrome. Last evaluated: 2023-04-12. Review status: criteria provided, single submitter. Criteria: ACMG Guidelines, 2015. Collection method: clinical testing. Allele origin: germline.

Sema4
Classification: Likely benign for Hereditary cancer-predisposing syndrome. Last evaluated: 2020-07-31. Review status: criteria provided, single submitter. Criteria: Sema4 Curation Guidelines. Collection method: curation. Allele origin: germline.

PreventionGenetics, part of Exact Sciences
Classification: Likely benign for PDGFRA-related condition. Last evaluated: 2024-05-23. Review status: no assertion criteria provided. Collection method: clinical testing. Allele origin: germline. Not counted in ClinVar's aggregate classification.
Comment: This variant is classified as likely benign based on ACMG/AMP sequence variant interpretation guidelines (Richards et al. 2015 PMID: 25741868, with internal and published modifications).

ITMI
No classification provided. Condition: AllHighlyPenetrant. Last evaluated: 2013-09-19. Review status: no classification provided. Collection method: reference population. Allele origin: germline. Not counted in ClinVar's aggregate classification.
Comment: Please see associated publication for description of ethnicities

OMIM
Classification: Uncertain significance for VARIANT OF UNKNOWN SIGNIFICANCE. Last evaluated: 2012-10-01. Review status: no assertion criteria provided. Collection method: literature only. Allele origin: germline. Not counted in ClinVar's aggregate classification.

Laboratory of Molecular Epidemiology of Birth Defects, West China Second University Hospital, Sichuan University
Classification: Likely pathogenic for Ovarian cancer. Last evaluated: 2022-01-01. Review status: flagged submission. Criteria: ACMG Guidelines, 2015. Collection method: clinical testing. Allele origin: germline. Affected: yes. Not counted in ClinVar's aggregate classification.
ClinVar note: Reason: Outlier claim with insufficient supporting evidence

Literature cited by the submitters: PubMed 22473090 (cited by 4 submitters); PubMed 24728327 (cited by 3 submitters); PubMed 27153395 (cited by 3 submitters); PubMed 36627197 (cited by Mayo Clinic Laboratories, Mayo Clinic).